The following is an entry in ClinVar:

NM_002397.5(MEF2C):c.1413G>A (p.Trp471Ter)

Genes: MEF2C (myocyte enhancer factor 2C; minus strand), MEF2C-AS2 (MEF2C antisense RNA 2; plus strand). Cytogenetic location: 5q14.3.
Variant type: single nucleotide variant.
Coding change: c.1413G>A on transcript NM_002397.5 (MANE Select); coding-DNA position 1413, G replaced by A.
Protein change: p.Trp471Ter; replaces tryptophan 471 with a stop codon.
Molecular consequence: nonsense. On other transcripts: 3 prime UTR variant (9).
Genome position (GRCh38, 1-based): chr5:88,722,613, C>T on the plus strand (G>A on the coding strand, the complement: MEF2C is on the minus strand). VCF-style: chr5-88722613-C-T. GRCh37 (hg19) VCF-style: chr5-88018430-C-T.
Other names: c.1383G>A, p.Trp461Ter (NM_001131005.2); c.1443G>A, p.Trp481Ter (NM_001193347.1); c.1245G>A, p.Trp415Ter (NM_001193348.1); c.1173G>A, p.Trp391Ter (NM_001193349.3, NM_001364332.2); c.1413G>A, p.Trp471Ter (NM_001193350.2, NM_001364329.2, NM_001364330.2 and 1 more transcripts); c.1389G>A, p.Trp463Ter (NM_001308002.3, NM_001364333.2); c.1317G>A, p.Trp439Ter (NM_001363581.2, NM_001364334.2, NM_001364335.2 and 2 more transcripts); c.1347G>A, p.Trp449Ter (NM_001364338.2); and 7 more; short protein forms W289*, W313*, W345*, W391*, W415*, W423*, W429*, W431*.
Identifiers: ClinVar variation 1710468 (VCV001710468.3), dbSNP rs2546717025, ClinGen allele CA360421700.
Genomic context (GRCh38, chr5:88,722,613, plus strand): 5'-CACACACACACACTGCAAGAAAAAAAAAAAAACTAGTAAGTAATAATCTGATCATGTTGC[C>T]CATCCTTCAGAAAGTCGCATGCGCTTGACTGAGGGACTTTCCCTTTCGTCCGGCGAAGGT-3'

ClinVar aggregate classification (germline): Uncertain significance (1 of 4 stars; one submission).

Submission:

Greenwood Genetic Center Diagnostic Laboratories, Greenwood Genetic Center
Classification: Uncertain significance. Last evaluated: 2022-07-29. Review status: criteria provided, single submitter. Criteria: ACMG Guidelines, 2015. Collection method: clinical testing. Allele origin: germline. Affected: yes.
Comment: PM2, PM4